The following is an entry in ClinVar:

NM_017999.5(RNF31):c.3106G>A (p.Val1036Ile)

Gene: RNF31 (ring finger protein 31; plus strand). Cytogenetic location: 14q12.
Variant type: single nucleotide variant.
Coding change: c.3106G>A on transcript NM_017999.5 (MANE Select); coding-DNA position 3106, G replaced by A.
Protein change: p.Val1036Ile; replaces valine 1036 with isoleucine.
Molecular consequence: missense variant.
Genome position (GRCh38, 1-based): chr14:24,160,348, G>A. VCF-style: chr14-24160348-G-A. GRCh37 (hg19) VCF-style: chr14-24629557-G-A.
Other names: c.2653G>A, p.Val885Ile (NM_001310332.2); short protein forms V1036I, V885I.
Identifiers: ClinVar variation 1900467 (VCV001900467.5), dbSNP rs76273859, ClinGen allele CA7126270.
Genomic context (GRCh38, chr14:24,160,348, plus strand): 5'-GACCCAGCCACCTTGTATGAGGTGGAAGAGCTGGAGACGGCCACTGAGCGCTACCTGCAC[G>A]TACGCCCCCAGCCTTTGGCTGGAGAGGATCCCCCTGCTTACCAGGCCCGCTTGTTACAGG-3'
Protein context (NP_060469.4, residues 1026-1046): LETATERYLH[Val1036Ile]RPQPLAGEDP

ClinVar aggregate classification (germline): Uncertain significance (1 of 4 stars; one submission).

Allele frequency attached by ClinVar (database versions not stated): 1000 Genomes Project 30x 0.00016.
gnomAD v4.1: 24 of 1,614,144 alleles (0.0015%); highest among the groups gnomAD compares: Admixed American, 0.0083%; no homozygotes.

Submission:

Labcorp Genetics (formerly Invitae), Labcorp
Classification: Uncertain significance. Last evaluated: 2024-10-02. Review status: criteria provided, single submitter. Criteria: Invitae Variant Classification Sherloc (09022015). Collection method: clinical testing. Allele origin: germline.
Comment: This sequence change replaces valine, which is neutral and non-polar, with isoleucine, which is neutral and non-polar, at codon 1036 of the RNF31 protein (p.Val1036Ile). This variant is present in population databases (rs76273859, gnomAD 0.01%). This variant has not been reported in the literature in individuals affected with RNF31-related conditions. ClinVar contains an entry for this variant (Variation ID: 1900467). An algorithm developed to predict the effect of missense changes on protein structure and function (PolyPhen-2) suggests that this variant is likely to be tolerated. In summary, the available evidence is currently insufficient to determine the role of this variant in disease. Therefore, it has been classified as a Variant of Uncertain Significance.